The following is an entry in ClinVar:

ClinVar aggregate classification (germline): Uncertain significance (1 of 4 stars; one submission).

Conditions:
Senior-Loken syndrome 7 (SLSN7). Identifiers: Orphanet 3156, MedGen C3150877, MONDO:0013326, OMIM 613615.
Bardet-Biedl syndrome 16 (BBS16). Identifiers: Orphanet 110, MedGen C3889474, MONDO:0014444, OMIM 615993.

Allele frequency attached by ClinVar (database versions not stated): gnomAD exomes below 0.00001; gnomAD 0.00001.
gnomAD v4.1: 2 of 1,613,850 alleles (0.00012%); highest among the groups gnomAD compares: Admixed American, 0.0017%; no homozygotes.

Submission:

Labcorp Genetics (formerly Invitae), Labcorp
Classification: Uncertain significance for Bardet-Biedl syndrome 16; Senior-Loken syndrome 7. Last evaluated: 2023-05-01. Review status: criteria provided, single submitter. Criteria: Invitae Variant Classification Sherloc (09022015). Collection method: clinical testing. Allele origin: germline.
Comment: An algorithm developed to predict the effect of missense changes on protein structure and function (PolyPhen-2) suggests that this variant is likely to be disruptive. In summary, the available evidence is currently insufficient to determine the role of this variant in disease. Therefore, it has been classified as a Variant of Uncertain Significance. Algorithms developed to predict the effect of sequence changes on RNA splicing suggest that this variant may disrupt the consensus splice site. This variant has not been reported in the literature in individuals affected with SDCCAG8-related conditions. This variant is not present in population databases (gnomAD no frequency). This sequence change replaces arginine, which is basic and polar, with glycine, which is neutral and non-polar, at codon 662 of the SDCCAG8 protein (p.Arg662Gly).

NM_006642.5(SDCCAG8):c.1984A>G (p.Arg662Gly)

Gene: SDCCAG8 (SHH signaling and ciliogenesis regulator SDCCAG8; plus strand). Cytogenetic location: 1q43.
Variant type: single nucleotide variant.
Coding change: c.1984A>G on transcript NM_006642.5 (MANE Select); coding-DNA position 1984, A replaced by G.
Protein change: p.Arg662Gly; replaces arginine 662 with glycine.
Molecular consequence: missense variant.
Genome position (GRCh38, 1-based): chr1:243,426,557, A>G. VCF-style: chr1-243426557-A-G. GRCh37 (hg19) VCF-style: chr1-243589859-A-G.
Other names: c.1081A>G, p.Arg361Gly (NM_001350246.2, NM_001350247.2, NM_001350251.2); c.2080A>G, p.Arg694Gly (NM_001350248.2); c.1690A>G, p.Arg564Gly (NM_001350249.2); short protein forms R564G, R361G, R662G, R694G.
Identifiers: ClinVar variation 2933911 (VCV002933911.3), dbSNP rs2081354029, ClinGen allele CA345667932.